The following is an entry in ClinVar:

NM_020937.4(FANCM):c.759+2dup

Gene: FANCM (FA complementation group M; plus strand). Cytogenetic location: 14q21.2.
Variant type: Duplication.
Coding change: c.759+2dup on transcript NM_020937.4 (MANE Select); the canonical splice donor site of the intron after coding-DNA position 759, one base duplicated (T; older notation c.759+2dupT).
Molecular consequence: splice donor variant. On other transcripts: intron variant (1).
Genome position (GRCh38, 1-based): chr14:45,140,711, T duplicated. VCF-style (leftmost placement, unchanged base first): chr14-45140710-G-GT. GRCh37 (hg19) VCF-style: chr14-45609913-G-GT.
Other names: c.681+3470dup (NM_001308133.2); c.759+2dup (NM_001308134.2).
Identifiers: ClinVar variation 841316 (VCV000841316.7), dbSNP rs1885856344, ClinGen allele CA916081705.
Genomic context (GRCh38, chr14:45,140,710, plus strand): 5'-AAATATACAAATCACTTTAGAATCTTGGCTCTAAGTGCCACACCAGGTAGTGATATAAAG[G>GT]TAAGTAAAATGTTTTTCCATTTATTACAGTTAAGAAAATAAAGCTTTTGGCCAGGTGCAG-3'

ClinVar aggregate classification (germline): Uncertain significance (1 of 4 stars; one submission).

Conditions:
Fanconi anemia (FA). Also called: Fanconi's anemia. Identifiers: Orphanet 84, MedGen C0015625, MeSH D005199, MONDO:0019391.

Submission:

Labcorp Genetics (formerly Invitae), Labcorp
Classification: Uncertain significance for Fanconi anemia. Last evaluated: 2019-01-16. Review status: criteria provided, single submitter. Criteria: Invitae Variant Classification Sherloc (09022015). Collection method: clinical testing. Allele origin: germline.
Comment: This sequence change falls in intron 3 of the FANCM gene. It does not directly change the encoded amino acid sequence of the FANCM protein, but it affects a nucleotide within the consensus splice site of the intron. This variant is not present in population databases (ExAC no frequency). This variant has not been reported in the literature in individuals with FANCM-related conditions. Nucleotide substitutions within the consensus splice site are a relatively common cause of aberrant splicing (PMID: 17576681, 9536098). Algorithms developed to predict the effect of sequence changes on RNA splicing suggest that this variant may disrupt the consensus splice site, but this prediction has not been confirmed by published transcriptional studies. In summary, the available evidence is currently insufficient to determine the role of this variant in disease. Therefore, it has been classified as a Variant of Uncertain Significance.

Literature cited by the submitters: PubMed 17576681; PubMed 9536098.